The following is an entry in ClinVar:

ClinVar aggregate classification (germline): Uncertain significance (1 of 4 stars; one submission).

Conditions:
Periodic fever-infantile enterocolitis-autoinflammatory syndrome. Also called: Autoinflammation with infantile enterocolitis. Identifiers: Orphanet 436166, MedGen C4015067, MONDO:0014472, OMIM 616050.
Familial cold autoinflammatory syndrome 4 (FCAS4). Identifiers: Orphanet 47045, Orphanet 576349, MedGen C4015276, MONDO:0014498, OMIM 616115.

Submission:

Labcorp Genetics (formerly Invitae), Labcorp
Classification: Uncertain significance for Periodic fever-infantile enterocolitis-autoinflammatory syndrome; Familial cold autoinflammatory syndrome 4. Last evaluated: 2023-05-17. Review status: criteria provided, single submitter. Criteria: Invitae Variant Classification Sherloc (09022015). Collection method: clinical testing. Allele origin: germline.
Comment: In summary, the available evidence is currently insufficient to determine the role of this variant in disease. Therefore, it has been classified as a Variant of Uncertain Significance. Advanced modeling of protein sequence and biophysical properties (such as structural, functional, and spatial information, amino acid conservation, physicochemical variation, residue mobility, and thermodynamic stability) performed at Invitae indicates that this missense variant is not expected to disrupt NLRC4 protein function. This variant has not been reported in the literature in individuals affected with NLRC4-related conditions. This variant is not present in population databases (gnomAD no frequency). This sequence change replaces leucine, which is neutral and non-polar, with serine, which is neutral and polar, at codon 651 of the NLRC4 protein (p.Leu651Ser).

NM_001199138.2(NLRC4):c.1952T>C (p.Leu651Ser)

Gene: NLRC4 (NLR family CARD domain containing 4; minus strand). Cytogenetic location: 2p22.3.
Variant type: single nucleotide variant.
Coding change: c.1952T>C on transcript NM_001199138.2 (MANE Select); coding-DNA position 1952, T replaced by C.
Protein change: p.Leu651Ser; replaces leucine 651 with serine.
Molecular consequence: missense variant. On other transcripts: intron variant (1).
Genome position (GRCh38, 1-based): chr2:32,249,912, A>G on the plus strand (T>C on the coding strand, the complement: NLRC4 is on the minus strand). VCF-style: chr2-32249912-A-G. GRCh37 (hg19) VCF-style: chr2-32474981-A-G.
Other names: c.1952T>C, p.Leu651Ser (NM_001199139.2, NM_021209.5); c.262+2507T>C (NM_001302504.1); short protein forms L651S.
Identifiers: ClinVar variation 2947880 (VCV002947880.3), dbSNP rs2466757197, ClinGen allele CA346511340.